The following is an entry in ClinVar:

NM_001197104.2(KMT2A):c.9958T>C (p.Ser3320Pro)

Gene: KMT2A (lysine methyltransferase 2A; plus strand). Cytogenetic location: 11q23.3.
Variant type: single nucleotide variant.
Coding change: c.9958T>C on transcript NM_001197104.2 (MANE Select); coding-DNA position 9958, T replaced by C.
Protein change: p.Ser3320Pro; replaces serine 3320 with proline.
Molecular consequence: missense variant.
Genome position (GRCh38, 1-based): chr11:118,505,850, T>C. VCF-style: chr11-118505850-T-C. GRCh37 (hg19) VCF-style: chr11-118376565-T-C.
Other names: c.10048T>C, p.Ser3350Pro (NM_001412597.1); c.9949T>C, p.Ser3317Pro (NM_005933.4); short protein forms S3317P, S3320P, S3350P.
Identifiers: ClinVar variation 2899779 (VCV002899779.3), dbSNP rs1555048025, ClinGen allele CA382822348.

ClinVar aggregate classification (germline): Uncertain significance (1 of 4 stars; one submission).

Allele frequency attached by ClinVar (database versions not stated): gnomAD 0.00001; TOPMed 0.00002.
gnomAD v4.1: 2 of 1,614,066 alleles (0.00012%); highest among the groups gnomAD compares: African/African-American, 0.0013%; no homozygotes.

Submission:

Labcorp Genetics (formerly Invitae), Labcorp
Classification: Uncertain significance. Last evaluated: 2023-12-01. Review status: criteria provided, single submitter. Criteria: Invitae Variant Classification Sherloc (09022015). Collection method: clinical testing. Allele origin: germline.
Comment: This sequence change replaces serine, which is neutral and polar, with proline, which is neutral and non-polar, at codon 3320 of the KMT2A protein (p.Ser3320Pro). This variant is present in population databases (no rsID available, gnomAD 0.0009%). This variant has not been reported in the literature in individuals affected with KMT2A-related conditions. Advanced modeling of protein sequence and biophysical properties (such as structural, functional, and spatial information, amino acid conservation, physicochemical variation, residue mobility, and thermodynamic stability) performed at Invitae indicates that this missense variant is not expected to disrupt KMT2A protein function with a negative predictive value of 95%. In summary, the available evidence is currently insufficient to determine the role of this variant in disease. Therefore, it has been classified as a Variant of Uncertain Significance.